The following is an entry in ClinVar:

ClinVar aggregate classification (germline): Uncertain significance (1 of 4 stars; one submission).

Conditions:
RASopathy. Also called: rasopathies; Noonan spectrum disorder. Identifiers: Orphanet 536391, MedGen C5555857, MONDO:0021060.

Submission:

Labcorp Genetics (formerly Invitae), Labcorp
Classification: Uncertain significance for RASopathy. Last evaluated: 2022-10-05. Review status: criteria provided, single submitter. Criteria: Invitae Variant Classification Sherloc (09022015). Collection method: clinical testing. Allele origin: germline.
Comment: Algorithms developed to predict the effect of sequence changes on RNA splicing suggest that this variant may disrupt the consensus splice site. Algorithms developed to predict the effect of missense changes on protein structure and function (SIFT, PolyPhen-2, Align-GVGD) all suggest that this variant is likely to be disruptive. This variant has not been reported in the literature in individuals affected with CBL-related conditions. In summary, the available evidence is currently insufficient to determine the role of this variant in disease. Therefore, it has been classified as a Variant of Uncertain Significance. This variant is not present in population databases (gnomAD no frequency). This sequence change replaces threonine, which is neutral and polar, with proline, which is neutral and non-polar, at codon 152 of the CBL protein (p.Thr152Pro).

NM_005188.4(CBL):c.454A>C (p.Thr152Pro)

Gene: CBL (Cbl proto-oncogene; plus strand). Cytogenetic location: 11q23.3.
Variant type: single nucleotide variant.
Coding change: c.454A>C on transcript NM_005188.4 (MANE Select); coding-DNA position 454, A replaced by C.
Protein change: p.Thr152Pro; replaces threonine 152 with proline.
Molecular consequence: missense variant.
Genome position (GRCh38, 1-based): chr11:119,271,745, A>C. VCF-style: chr11-119271745-A-C. GRCh37 (hg19) VCF-style: chr11-119142455-A-C.
Other names: short protein forms T152P.
Identifiers: ClinVar variation 1721033 (VCV001721033.5), dbSNP rs2496927287, ClinGen allele CA382907039.
Genomic context (GRCh38, chr11:119,271,745, plus strand): 5'-AAATAAAAATAATTTTATGTGTTTAATTATTGCATTCTGATCATTTGTAGGCGAAACCTA[A>C]CCAAACTGTCCCTCATCTTCAGCCACATGCTGGCAGAACTAAAAGGAATCTTTCCAAGTG-3'
Protein context (NP_005179.2, residues 142-162): EENSQPRRNL[Thr152Pro]KLSLIFSHML